The following is an entry in ClinVar:

NM_001378454.1(ALMS1):c.8921C>A (p.Pro2974Gln)

Gene: ALMS1 (ALMS1 centrosome and basal body associated protein; plus strand). Cytogenetic location: 2p13.1.
Variant type: single nucleotide variant.
Coding change: c.8921C>A on transcript NM_001378454.1 (MANE Select); coding-DNA position 8921, C replaced by A.
Protein change: p.Pro2974Gln; replaces proline 2974 with glutamine.
Molecular consequence: missense variant.
Genome position (GRCh38, 1-based): chr2:73,490,880, C>A. VCF-style: chr2-73490880-C-A. GRCh37 (hg19) VCF-style: chr2-73718007-C-A.
Other names: c.8924C>A, p.Pro2975Gln (NM_015120.4); short protein forms P2974Q, P2975Q.
Identifiers: ClinVar variation 4686193 (VCV004686193.1).

ClinVar aggregate classification (germline): Uncertain significance (1 of 4 stars; one submission).

Submission:

GeneDx
Classification: Uncertain significance. Last evaluated: 2025-07-15. Review status: criteria provided, single submitter. Criteria: GeneDx Variant Classification Process June 2021. Collection method: clinical testing. Allele origin: germline. Affected: yes.
Comment: Not observed at significant frequency in large population cohorts (gnomAD); In silico analysis supports that this missense variant has a deleterious effect on protein structure/function; Has not been previously published as pathogenic or benign to our knowledge